The following is an entry in ClinVar:

ClinVar aggregate classification (germline): Uncertain significance (1 of 4 stars; one submission).

Conditions:
Hereditary cancer-predisposing syndrome. Also called: Tumor predisposition; Hereditary neoplastic syndrome; Hereditary Cancer Syndrome; Neoplastic Syndromes, Hereditary. Identifiers: Orphanet 140162, MedGen C0027672, MeSH D009386, MONDO:0015356.

Allele frequency attached by ClinVar (database versions not stated): gnomAD exomes below 0.00001.
gnomAD v4.1: 1 of 1,589,966 alleles (0.000063%); highest among the groups gnomAD compares: Non-Finnish European, 0.000085%; no homozygotes.

Submission:

Ambry Genetics
Classification: Uncertain significance for Hereditary cancer-predisposing syndrome. Last evaluated: 2023-09-21. Review status: criteria provided, single submitter. Criteria: Ambry Variant Classification Scheme 2023. Collection method: clinical testing. Allele origin: germline.
Comment: The c.370-3C>T intronic variant results from a C to T substitution 3 nucleotides upstream from coding exon 6 in the SMARCE1 gene. This nucleotide position is highly conserved in available vertebrate species. In silico splice site analysis predicts that this alteration will not have any significant effect on splicing. Since supporting evidence is limited at this time, the clinical significance of this alteration remains unclear.

NM_003079.5(SMARCE1):c.370-3C>T

Gene: SMARCE1 (SWI/SNF related BAF chromatin remodeling complex subunit E1; minus strand). Cytogenetic location: 17q21.2.
Variant type: single nucleotide variant.
Coding change: c.370-3C>T on transcript NM_003079.5 (MANE Select); 3 bases into the intron before coding-DNA position 370, C replaced by T.
Molecular consequence: intron variant.
Genome position (GRCh38, 1-based): chr17:40,636,105, G>A on the plus strand (C>T on the coding strand, the complement: SMARCE1 is on the minus strand). VCF-style: chr17-40636105-G-A. GRCh37 (hg19) VCF-style: chr17-38792357-G-A.
Identifiers: ClinVar variation 3223097 (VCV003223097.1), dbSNP rs2508603836, ClinGen allele CA2637751035.